The following is an entry in ClinVar:

NM_198253.3(TERT):c.1057A>G (p.Ser353Gly)

Gene: TERT (telomerase reverse transcriptase; minus strand). Cytogenetic location: 5p15.33.
Variant type: single nucleotide variant.
Coding change: c.1057A>G on transcript NM_198253.3 (MANE Select); coding-DNA position 1057, A replaced by G.
Protein change: p.Ser353Gly; replaces serine 353 with glycine.
Molecular consequence: missense variant. On other transcripts: non-coding transcript variant (2).
Genome position (GRCh38, 1-based): chr5:1,293,829, T>C on the plus strand (A>G on the coding strand, the complement: TERT is on the minus strand). VCF-style: chr5-1293829-T-C. GRCh37 (hg19) VCF-style: chr5-1293944-T-C.
Other names: c.1057A>G, p.Ser353Gly (NM_001193376.3); short protein forms S353G.
Identifiers: ClinVar variation 3455153 (VCV003455153.1).
Genomic context (GRCh38, chr5:1,293,829, plus strand): 5'-GCATCCAGGGCCTGGAACCCAGAAAGATGGTCTCCACGAGCCTCCGAGCGCCAGTCAGGC[T>C]GGGCCTCAGAGAGCTGAGTAGGAAGGAGGGCCGCAGCTGCTCCTTGTCGCCTGAGGAGTA-3'
Protein context (NP_937983.2, residues 343-363): PSFLLSSLRP[Ser353Gly]LTGARRLVET

ClinVar aggregate classification (germline): Uncertain significance (1 of 4 stars; one submission).

Conditions:
Dyskeratosis congenita. Identifiers: Orphanet 1775, MedGen C0265965, MONDO:0015780.

Submission:

Ambry Genetics
Classification: Uncertain significance for Dyskeratosis congenita. Last evaluated: 2024-06-28. Review status: criteria provided, single submitter. Criteria: Ambry Variant Classification Scheme 2023. Collection method: clinical testing. Allele origin: germline.
Comment: The p.S353G variant (also known as c.1057A>G), located in coding exon 2 of the TERT gene, results from an A to G substitution at nucleotide position 1057. The serine at codon 353 is replaced by glycine, an amino acid with similar properties. This amino acid position is conserved. In addition, the in silico prediction for this alteration is inconclusive. Based on the available evidence, the clinical significance of this variant remains unclear.